The following is an entry in ClinVar:

ClinVar aggregate classification (germline): Uncertain significance (1 of 4 stars; one submission).

Allele frequency attached by ClinVar (database versions not stated): ExAC 0.00002; ESP Exome Variant Server 0.00008.
gnomAD v4.1: 33 of 1,610,814 alleles (0.002%); highest among the groups gnomAD compares: South Asian, 0.0066%; no homozygotes.

Submission:

Labcorp Genetics (formerly Invitae), Labcorp
Classification: Uncertain significance. Last evaluated: 2025-09-28. Review status: criteria provided, single submitter. Criteria: Invitae Variant Classification Sherloc (09022015). Collection method: clinical testing. Allele origin: germline.
Comment: This sequence change replaces glutamic acid, which is acidic and polar, with lysine, which is basic and polar, at codon 289 of the DSG1 protein (p.Glu289Lys). This variant is present in population databases (rs377729186, gnomAD 0.006%). This variant has not been reported in the literature in individuals affected with DSG1-related conditions. ClinVar contains an entry for this variant (Variation ID: 2168930). Invitae Evidence Modeling of protein sequence and biophysical properties (such as structural, functional, and spatial information, amino acid conservation, physicochemical variation, residue mobility, and thermodynamic stability) indicates that this missense variant is not expected to disrupt DSG1 protein function with a negative predictive value of 80%. In summary, the available evidence is currently insufficient to determine the role of this variant in disease. Therefore, it has been classified as a Variant of Uncertain Significance.

NM_001942.4(DSG1):c.865G>A (p.Glu289Lys)

Gene: DSG1 (desmoglein 1; plus strand). Cytogenetic location: 18q12.1.
Variant type: single nucleotide variant.
Coding change: c.865G>A on transcript NM_001942.4 (MANE Select); coding-DNA position 865, G replaced by A.
Protein change: p.Glu289Lys; replaces glutamic acid 289 with lysine.
Molecular consequence: missense variant.
Genome position (GRCh38, 1-based): chr18:31,334,062, G>A. VCF-style: chr18-31334062-G-A. GRCh37 (hg19) VCF-style: chr18-28914025-G-A.
Other names: short protein forms E289K.
Identifiers: ClinVar variation 2168930 (VCV002168930.4), dbSNP rs377729186, ClinGen allele CA8925965.